The following is an entry in ClinVar:

NM_001330078.2(NRXN1):c.1987C>G (p.Gln663Glu)

Gene: NRXN1 (neurexin 1; minus strand). Cytogenetic location: 2p16.3.
Variant type: single nucleotide variant.
Coding change: c.1987C>G on transcript NM_001330078.2 (MANE Select); coding-DNA position 1987, C replaced by G.
Protein change: p.Gln663Glu; replaces glutamine 663 with glutamic acid.
Molecular consequence: missense variant.
Genome position (GRCh38, 1-based): chr2:50,538,409, G>C on the plus strand (C>G on the coding strand, the complement: NRXN1 is on the minus strand). VCF-style: chr2-50538409-G-C. GRCh37 (hg19) VCF-style: chr2-50765547-G-C.
Other names: c.2107C>G, p.Gln703Glu (NM_001135659.3); c.1963C>G, p.Gln655Glu (NM_001330077.2, NM_001330082.2, NM_001330095.2); c.1948C>G, p.Gln650Glu (NM_001330083.2, NM_001330084.2); c.1987C>G, p.Gln663Glu (NM_001330085.2, NM_001330086.2, NM_004801.6); c.1903C>G, p.Gln635Glu (NM_001330087.2, NM_001330096.2); c.1933C>G, p.Gln645Glu (NM_001330088.2); c.1984C>G, p.Gln662Glu (NM_001330093.2); c.1975C>G, p.Gln659Glu (NM_001330094.2); short protein forms Q655E, Q635E, Q659E, Q703E, Q663E, Q645E, Q650E, Q662E.
Identifiers: ClinVar variation 4730083 (VCV004730083.1).

ClinVar aggregate classification (germline): Uncertain significance (1 of 4 stars; one submission).

Conditions:
Pitt-Hopkins-like syndrome 2 (PTHSL2). Identifiers: Orphanet 221150, Orphanet 600663, MedGen C3280479, MONDO:0013690, OMIM 614325.

Submission:

Labcorp Genetics (formerly Invitae), Labcorp
Classification: Uncertain significance for Pitt-Hopkins-like syndrome 2. Last evaluated: 2025-10-28. Review status: criteria provided, single submitter. Criteria: Invitae Variant Classification Sherloc (09022015). Collection method: clinical testing. Allele origin: germline.
Comment: This sequence change replaces glutamine, which is neutral and polar, with glutamic acid, which is acidic and polar, at codon 703 of the NRXN1 protein (p.Gln703Glu). This variant is not present in population databases (gnomAD no frequency). This variant has not been reported in the literature in individuals affected with NRXN1-related conditions. An algorithm developed to predict the effect of missense changes on protein structure and function (PolyPhen-2) suggests that this variant is likely to be disruptive. In summary, the available evidence is currently insufficient to determine the role of this variant in disease. Therefore, it has been classified as a Variant of Uncertain Significance.